The following is an entry in ClinVar:

ClinVar aggregate classification (germline): Uncertain significance. Review status: criteria provided, multiple submitters, no conflicts (2 of 4 stars). 2 submissions from 2 submitters: Uncertain significance (2). Last evaluated 2025-07-19.

Conditions:
Adams-Oliver syndrome 5 (AOS5). Identifiers: Orphanet 974, MedGen C4014970, MONDO:0014459, OMIM 616028.
Aortic valve disease 1 (AOVD1). Identifiers: MedGen C3887892, MONDO:0024523, OMIM 109730.

gnomAD v4.1: 2 of 1,608,776 alleles (0.00012%); highest among the groups gnomAD compares: Non-Finnish European, 0.00017%; no homozygotes.

Submissions (2):

Dasa
Classification: Uncertain significance for Aortic valve disease 1. Last evaluated: 2025-07-19. Review status: criteria provided, single submitter. Criteria: DASA Assertion Criteria. Collection method: clinical testing. Allele origin: germline.
Comment: NM_017617.5(NOTCH1):c.5763C>G (p.His1921Gln) is a missense variant that results in the substitution of histidine with glutamine. This variant is rare in population databases. The currently available literature and clinical evidence are not sufficient to establish a definitive association between this variant and the reported condition. Therefore, this variant is classified as a variant of uncertain significance.

Labcorp Genetics (formerly Invitae), Labcorp
Classification: Uncertain significance for Adams-Oliver syndrome 5. Last evaluated: 2024-06-03. Review status: criteria provided, single submitter. Criteria: Invitae Variant Classification Sherloc (09022015). Collection method: clinical testing. Allele origin: germline.
Comment: This sequence change replaces histidine, which is basic and polar, with glutamine, which is neutral and polar, at codon 1921 of the NOTCH1 protein (p.His1921Gln). This variant is not present in population databases (gnomAD no frequency). This variant has not been reported in the literature in individuals affected with NOTCH1-related conditions. Advanced modeling of protein sequence and biophysical properties (such as structural, functional, and spatial information, amino acid conservation, physicochemical variation, residue mobility, and thermodynamic stability) performed at Invitae indicates that this missense variant is not expected to disrupt NOTCH1 protein function with a negative predictive value of 80%. In summary, the available evidence is currently insufficient to determine the role of this variant in disease. Therefore, it has been classified as a Variant of Uncertain Significance.

NM_017617.5(NOTCH1):c.5763C>G (p.His1921Gln)

Gene: NOTCH1 (notch receptor 1; minus strand). Cytogenetic location: 9q34.3.
Variant type: single nucleotide variant.
Coding change: c.5763C>G on transcript NM_017617.5 (MANE Select); coding-DNA position 5763, C replaced by G.
Protein change: p.His1921Gln; replaces histidine 1921 with glutamine.
Molecular consequence: missense variant.
Genome position (GRCh38, 1-based): chr9:136,500,723, G>C on the plus strand (C>G on the coding strand, the complement: NOTCH1 is on the minus strand). VCF-style: chr9-136500723-G-C. GRCh37 (hg19) VCF-style: chr9-139395175-G-C.
Other names: short protein forms H1921Q.
Identifiers: ClinVar variation 3005763 (VCV003005763.5), dbSNP rs1451972572, ClinGen allele CA375637274.